The following is an entry in ClinVar:

NM_000340.2(SLC2A2):c.1374+7A>G

Gene: SLC2A2 (solute carrier family 2 member 2; minus strand). Cytogenetic location: 3q26.2.
Variant type: single nucleotide variant.
Coding change: c.1374+7A>G on transcript NM_000340.2 (MANE Select); 7 bases into the intron after coding-DNA position 1374, A replaced by G.
Molecular consequence: intron variant.
Genome position (GRCh38, 1-based): chr3:170,998,186, T>C on the plus strand (A>G on the coding strand, the complement: SLC2A2 is on the minus strand). VCF-style: chr3-170998186-T-C. GRCh37 (hg19) VCF-style: chr3-170715975-T-C.
Other names: c.1017+7A>G (NM_001278658.2); c.855+7A>G (NM_001278659.2); c.1374+7A>G (NM_000340.1).
Identifiers: ClinVar variation 2075800 (VCV002075800.7), dbSNP rs781482707, ClinGen allele CA2702424.

ClinVar aggregate classification (germline): Likely benign. Review status: criteria provided, multiple submitters, no conflicts (2 of 4 stars). 3 submissions from 3 submitters: Likely benign (2). 1 of the submissions does not count toward it. Last evaluated 2025-08-31.

Conditions:
Fanconi-Bickel syndrome (FBS). Also called: FANCONI SYNDROME WITH INTESTINAL MALABSORPTION AND GALACTOSE INTOLERANCE; Glycogen storage disease due to GLUT2 deficiency; HEPATIC GLYCOGENOSIS WITH AMINO ACIDURIA AND GLUCOSURIA; HEPATIC GLYCOGENOSIS WITH FANCONI NEPHROPATHY; HEPATORENAL GLYCOGENOSIS WITH RENAL FANCONI SYNDROME; PSEUDO-PHLORIZIN DIABETES. Identifiers: Orphanet 2088, MedGen C3495427, MONDO:0009216, OMIM 227810.
SLC2A2-related disorder. Also called: SLC2A2-related condition.

Allele frequency attached by ClinVar (database versions not stated): gnomAD exomes below 0.00001; TOPMed below 0.00001; ExAC 0.00001; gnomAD 0.00001.
gnomAD v4.1: 13 of 1,613,740 alleles (0.00081%); highest among the groups gnomAD compares: East Asian, 0.0045%; no homozygotes.

Submissions (3):

Labcorp Genetics (formerly Invitae), Labcorp
Classification: Likely benign for Fanconi-Bickel syndrome. Last evaluated: 2025-08-31. Review status: criteria provided, single submitter. Criteria: Invitae Variant Classification Sherloc (09022015). Collection method: clinical testing. Allele origin: germline.

Blueprint Genetics
Classification: Likely benign. Last evaluated: 2024-11-06. Review status: criteria provided, single submitter. Criteria: ACMG Guidelines, 2015. Collection method: clinical testing. Allele origin: germline.

PreventionGenetics, part of Exact Sciences
Classification: Likely benign for SLC2A2-related condition. Last evaluated: 2023-11-07. Review status: no assertion criteria provided. Collection method: clinical testing. Allele origin: germline. Not counted in ClinVar's aggregate classification.
Comment: This variant is classified as likely benign based on ACMG/AMP sequence variant interpretation guidelines (Richards et al. 2015 PMID: 25741868, with internal and published modifications).